The following is an entry in ClinVar:

ClinVar aggregate classification (germline): Uncertain significance. Review status: criteria provided, multiple submitters, no conflicts (2 of 4 stars). 8 submissions from 8 submitters: Uncertain significance (7). 1 of the submissions does not count toward it. Last evaluated 2026-07-06.

Conditions:
Hereditary cancer-predisposing syndrome. Also called: Hereditary Cancer Syndrome; Tumor predisposition; Hereditary neoplastic syndrome; Neoplastic Syndromes, Hereditary. Identifiers: Orphanet 140162, MedGen C0027672, MeSH D009386, MONDO:0015356.
Aplastic anemia. Identifiers: Orphanet 182040, Orphanet 88, MedGen C0002874, MONDO:0015909, OMIM 609135, HP:0001915.
Microcephaly, normal intelligence and immunodeficiency (NBS). Also called: SEEMANOVA SYNDROME II; BERLIN BREAKAGE SYNDROME; IMMUNODEFICIENCY, MICROCEPHALY, AND CHROMOSOMAL INSTABILITY; Nijmegen breakage syndrome; Microcephaly with normal intelligence immunodeficiency and lymphoreticular malignancies; Nonsyndromal microcephaly autosomal recessive with normal intelligence. Identifiers: Orphanet 647, MedGen C0398791, MONDO:0009623, OMIM 251260.

Allele frequency attached by ClinVar (database versions not stated): gnomAD exomes below 0.00001; ExAC 0.00001; gnomAD 0.00001; TOPMed 0.00002.

Submissions (8):

Myriad Genetics, Inc.
Classification: Uncertain significance for Microcephaly, normal intelligence and immunodeficiency. Last evaluated: 2026-07-06. Review status: criteria provided, single submitter. Criteria: Myriad Autosomal Dominant, Autosomal Recessive and X-Linked Classification Criteria (2023). Collection method: clinical testing. Allele origin: unknown.
Comment: NM_002485.4(NBN):c.1471G>A(E491K) is a missense variant classified as a variant of uncertain significance in the context of Nijmegen breakage syndrome. E491K has not been observed in cases with relevant disease. Relevant functional assessments of this variant are not available in the literature. E491K has been observed in referenced population frequency databases. In summary, there is insufficient evidence to classify NM_002485.4(NBN):c.1471G>A(E491K) as pathogenic or benign. Please note: this variant was assessed in the context of healthy population screening.

Labcorp Genetics (formerly Invitae), Labcorp
Classification: Uncertain significance for Microcephaly, normal intelligence and immunodeficiency. Last evaluated: 2025-11-17. Review status: criteria provided, single submitter. Criteria: Invitae Variant Classification Sherloc (09022015). Collection method: clinical testing. Allele origin: germline.
Comment: This sequence change replaces glutamic acid, which is acidic and polar, with lysine, which is basic and polar, at codon 491 of the NBN protein (p.Glu491Lys). This variant is present in population databases (rs776900339, gnomAD 0.007%). This missense change has been observed in individual(s) with breast cancer (PMID: 35264596). ClinVar contains an entry for this variant (Variation ID: 419397). An algorithm developed to predict the effect of missense changes on protein structure and function (PolyPhen-2) suggests that this variant is likely to be tolerated. In summary, the available evidence is currently insufficient to determine the role of this variant in disease. Therefore, it has been classified as a Variant of Uncertain Significance.

Baylor Genetics
Classification: Uncertain significance for Aplastic anemia. Last evaluated: 2023-11-20. Review status: criteria provided, single submitter. Criteria: ACMG Guidelines, 2015. Collection method: clinical testing. Allele origin: unknown.

Ambry Genetics
Classification: Uncertain significance for Hereditary cancer-predisposing syndrome. Last evaluated: 2022-11-25. Review status: criteria provided, single submitter. Criteria: Ambry Variant Classification Scheme 2023. Collection method: clinical testing. Allele origin: germline.
Comment: The p.E491K variant (also known as c.1471G>A), located in coding exon 11 of the NBN gene, results from a G to A substitution at nucleotide position 1471. The glutamic acid at codon 491 is replaced by lysine, an amino acid with similar properties. This amino acid position is well conserved in available vertebrate species. In addition, this alteration is predicted to be tolerated by in silico analysis. Since supporting evidence is limited at this time, the clinical significance of this alteration remains unclear.

Genome-Nilou Lab
Classification: Uncertain significance for Microcephaly, normal intelligence and immunodeficiency. Last evaluated: 2021-11-07. Review status: criteria provided, single submitter. Criteria: ACMG Guidelines, 2015. Collection method: clinical testing. Allele origin: germline. Affected: no.

GeneDx
Classification: Uncertain significance. Last evaluated: 2019-04-15. Review status: criteria provided, single submitter. Criteria: GeneDx Variant Classification Process June 2021. Collection method: clinical testing. Allele origin: germline. Affected: yes.
Comment: Not observed at a significant frequency in large population cohorts (Lek et al., 2016)

Mendelics
Classification: Uncertain significance for Microcephaly, normal intelligence and immunodeficiency. Last evaluated: 2018-07-02. Review status: criteria provided, single submitter. Criteria: Mendelics Assertion Criteria 2017. Collection method: clinical testing. Allele origin: unknown.

Natera, Inc.
Classification: Uncertain significance for Nijmegen breakage syndrome. Last evaluated: 2020-09-16. Review status: no assertion criteria provided. Collection method: clinical testing. Allele origin: germline. Not counted in ClinVar's aggregate classification.

Literature cited by the submitters: PubMed 35264596 (cited by Labcorp Genetics (formerly Invitae), Labcorp).

NM_002485.5(NBN):c.1471G>A (p.Glu491Lys)

Gene: NBN (nibrin; minus strand). Cytogenetic location: 8q21.3.
Variant type: single nucleotide variant.
Coding change: c.1471G>A on transcript NM_002485.5 (MANE Select); coding-DNA position 1471, G replaced by A.
Protein change: p.Glu491Lys; replaces glutamic acid 491 with lysine.
Molecular consequence: missense variant.
Genome position (GRCh38, 1-based): chr8:89,953,618, C>T on the plus strand (G>A on the coding strand, the complement: NBN is on the minus strand). VCF-style: chr8-89953618-C-T. GRCh37 (hg19) VCF-style: chr8-90965846-C-T.
Other names: c.1225G>A, p.Glu409Lys (NM_001024688.3); short protein forms E491K, E409K.
Identifiers: ClinVar variation 419397 (VCV000419397.19), dbSNP rs776900339, ClinGen allele CA4802715.